The following is an entry in ClinVar:

ClinVar aggregate classification (germline): Conflicting classifications of pathogenicity. Review status: criteria provided, conflicting classifications (1 of 4 stars). 3 submissions from 3 submitters: Pathogenic (2); Uncertain significance (1). Last evaluated 2024-09-20.

Conditions:
TUBB3-related disorder. Also called: TUBB3-related condition; TUBB3-related disorders.

Submissions (3):

Blueprint Genetics
Classification: Pathogenic for TUBB3-related disorders. Last evaluated: 2024-09-20. Review status: criteria provided, single submitter. Criteria: ACMG Guidelines, 2015. Collection method: clinical testing. Allele origin: germline. Affected: yes. Observed: 2 variant alleles.

Labcorp Genetics (formerly Invitae), Labcorp
Classification: Uncertain significance. Last evaluated: 2023-06-03. Review status: criteria provided, single submitter. Criteria: Invitae Variant Classification Sherloc (09022015). Collection method: clinical testing. Allele origin: germline.
Comment: This sequence change replaces proline, which is neutral and non-polar, with leucine, which is neutral and non-polar, at codon 357 of the TUBB3 protein (p.Pro357Leu). This variant is not present in population databases (gnomAD no frequency). This missense change has been observed in individual(s) with TUBB3-related conditions (PMID: 26130693, 35032046). ClinVar contains an entry for this variant (Variation ID: 1192771). Advanced modeling of protein sequence and biophysical properties (such as structural, functional, and spatial information, amino acid conservation, physicochemical variation, residue mobility, and thermodynamic stability) performed at Invitae indicates that this missense variant is expected to disrupt TUBB3 protein function. In summary, the available evidence is currently insufficient to determine the role of this variant in disease. Therefore, it has been classified as a Variant of Uncertain Significance.

GeneDx
Classification: Pathogenic. Last evaluated: 2022-04-06. Review status: criteria provided, single submitter. Criteria: GeneDx Variant Classification Process June 2021. Collection method: clinical testing. Allele origin: germline. Affected: yes.
Comment: Published functional studies demonstrate a damaging effect on microtubules (Oegema et al., 2015; Zheng et al., 2017); Not observed at significant frequency in large population cohorts (gnomAD); Missense variants in this gene are often considered pathogenic (HGMD); In silico analysis supports that this missense variant has a deleterious effect on protein structure/function; This variant is associated with the following publications: (PMID: 26639658, 32149430, 26130693, 28835377, 32169460, 32573066, 33064843, 20829227)

Literature cited by the submitters: PubMed 26130693 (cited by Labcorp Genetics (formerly Invitae), Labcorp); PubMed 35032046 (cited by Labcorp Genetics (formerly Invitae), Labcorp).

NM_006086.4(TUBB3):c.1070C>T (p.Pro357Leu)

Gene: TUBB3 (tubulin beta 3 class III; plus strand). Cytogenetic location: 16q24.3.
Variant type: single nucleotide variant.
Coding change: c.1070C>T on transcript NM_006086.4 (MANE Select); coding-DNA position 1070, C replaced by T.
Protein change: p.Pro357Leu; replaces proline 357 with leucine.
Molecular consequence: missense variant.
Genome position (GRCh38, 1-based): chr16:89,935,521, C>T. VCF-style: chr16-89935521-C-T. GRCh37 (hg19) VCF-style: chr16-90001929-C-T.
Other names: c.854C>T, p.Pro285Leu (NM_001197181.2); short protein forms P285L, P357L.
Identifiers: ClinVar variation 1192771 (VCV001192771.8), dbSNP rs2151093027, ClinGen allele CA397476657.